The following is an entry in ClinVar:

ClinVar aggregate classification (germline): Uncertain significance. Review status: criteria provided, multiple submitters, no conflicts (2 of 4 stars). 2 submissions from 2 submitters: Uncertain significance (2). Last evaluated 2025-05-19.

Conditions:
LOXHD1-related disorder. Also called: LOXHD1-related condition.
Inborn genetic diseases. Identifiers: MedGen C0950123, MeSH D030342.

gnomAD v4.1: 68 of 1,551,622 alleles (0.0044%); highest among the groups gnomAD compares: Admixed American, 0.0078%; 1 homozygote.

Submissions (2):

PreventionGenetics, part of Exact Sciences
Classification: Uncertain significance for LOXHD1-related condition. Last evaluated: 2025-05-19. Review status: criteria provided, single submitter. Criteria: ACMG Guidelines, 2015. Collection method: clinical testing. Allele origin: germline.
Comment: The LOXHD1 c.4339C>T variant is predicted to result in the amino acid substitution p.Arg1447Trp. To our knowledge, this variant has not been reported in the literature. This variant is reported in 0.0057% of alleles in individuals of African descent in gnomAD. At this time, the clinical significance of this variant is uncertain due to the absence of conclusive functional and genetic evidence.

Ambry Genetics
Classification: Uncertain significance for Inborn genetic diseases. Last evaluated: 2024-05-01. Review status: criteria provided, single submitter. Criteria: Ambry Variant Classification Scheme 2023. Collection method: clinical testing. Allele origin: germline.

NM_001384474.1(LOXHD1):c.4339C>T (p.Arg1447Trp)

Gene: LOXHD1 (lipoxygenase homology PLAT domains 1; minus strand). Cytogenetic location: 18q21.1.
Variant type: single nucleotide variant.
Coding change: c.4339C>T on transcript NM_001384474.1 (MANE Select); coding-DNA position 4339, C replaced by T.
Protein change: p.Arg1447Trp; replaces arginine 1447 with tryptophan.
Molecular consequence: missense variant.
Genome position (GRCh38, 1-based): chr18:46,533,198, G>A on the plus strand (C>T on the coding strand, the complement: LOXHD1 is on the minus strand). VCF-style: chr18-46533198-G-A. GRCh37 (hg19) VCF-style: chr18-44113161-G-A.
Other names: c.1006C>T, p.Arg336Trp (NM_001145472.3); c.718C>T, p.Arg240Trp (NM_001308013.2); c.4339C>T, p.Arg1447Trp (NM_144612.7); short protein forms R336W, R240W, R1447W.
Identifiers: ClinVar variation 3291084 (VCV003291084.2).